The following is an entry in ClinVar:

ClinVar aggregate classification (germline): Likely benign (1 of 4 stars; one submission).

Allele frequency attached by ClinVar (database versions not stated): ESP Exome Variant Server 0.00200; 1000 Genomes Project 30x 0.00203; 1000 Genomes Project 0.00220; TOPMed 0.00282.

Submission:

CeGaT Center for Human Genetics Tuebingen
Classification: Likely benign. Last evaluated: 2022-04-01. Review status: criteria provided, single submitter. Criteria: CeGaT Center For Human Genetics Tuebingen Variant Classification Criteria Version 2. Collection method: clinical testing. Allele origin: germline. Affected: yes. Observed: 1 variant allele.
Comment: PCDHB14: BP4, BP7

NM_018934.4(PCDHB14):c.1992C>T (p.Asp664=)

Genes: PCDHB14 (protocadherin beta 14; plus strand), PCDHB@ (protocadherin beta cluster; plus strand). Cytogenetic location: 5q31.3.
Variant type: single nucleotide variant.
Coding change: c.1992C>T on transcript NM_018934.4 (MANE Select); coding-DNA position 1992, C replaced by T.
Protein change: p.Asp664=; no amino-acid change (aspartic acid 664 retained).
Molecular consequence: synonymous variant.
Genome position (GRCh38, 1-based): chr5:141,225,497, C>T. VCF-style: chr5-141225497-C-T. GRCh37 (hg19) VCF-style: chr5-140605069-C-T.
Identifiers: ClinVar variation 2655837 (VCV002655837.24), dbSNP rs145919831, ClinGen allele CA3464864.
Genomic context (GRCh38, chr5:141,225,497, plus strand): 5'-CAAGGACAATGGCGAGCCTCCTCGCTCGGCCACCGCCACGCTGCACGTGCTCCTGGTGGA[C>T]GGCTTCTCCCAGCCCTACCTGCCGCTCCCTGAGGCGGCCCCGGCCCAGGCCCAGGCCGAC-3'
Protein context (NP_061757.1, residues 654-674): ATATLHVLLV[Asp664=]GFSQPYLPLP